The following is an entry in ClinVar:

NM_000529.2(MC2R):c.*1885T>C

Gene: MC2R (melanocortin 2 receptor; minus strand). Cytogenetic location: 18p11.21.
Variant type: single nucleotide variant.
Coding change: c.*1885T>C on transcript NM_000529.2 (MANE Select); 1885 bases downstream of the stop codon, T replaced by C.
Molecular consequence: 3 prime UTR variant.
Genome position (GRCh38, 1-based): chr18:13,882,740, A>G on the plus strand (T>C on the coding strand, the complement: MC2R is on the minus strand). VCF-style: chr18-13882740-A-G. GRCh37 (hg19) VCF-style: chr18-13882739-A-G.
Other names: c.*1885T>C (NM_001291911.1).
Identifiers: ClinVar variation 326133 (VCV000326133.6), dbSNP rs3760536, ClinGen allele CA10650560.

ClinVar aggregate classification (germline): Benign. Review status: criteria provided, multiple submitters, no conflicts (2 of 4 stars). 2 submissions from 2 submitters: Benign (2). Last evaluated 2018-01-13.

Conditions:
Glucocorticoid deficiency 1 (GCCD1). Also called: FAMILIAL GLUCOCORTICOID DEFICIENCY 1; Adrenal unresponsiveness to acth; Glucocorticoid deficiency, due to ACTH unresponsiveness. Identifiers: Orphanet 361, MedGen C4049650, MONDO:0024536, OMIM 202200.

Allele frequency attached by ClinVar (database versions not stated): 1000 Genomes Project 0.10843; gnomAD 0.07932 and 0.07937; TOPMed 0.08949; 1000 Genomes Project 30x 0.10790.

Submissions (2):

Illumina Laboratory Services, Illumina
Classification: Benign for Glucocorticoid deficiency 1. Last evaluated: 2018-01-13. Review status: criteria provided, single submitter. Criteria: ICSL Variant Classification Criteria 13 December 2019. Collection method: clinical testing. Allele origin: germline.
Comment: This variant was observed in the ICSL laboratory as part of a predisposition screen in an ostensibly healthy population. It had not been previously curated by ICSL or reported in the Human Gene Mutation Database (HGMD: prior to June 1st, 2018), and was therefore a candidate for classification through an automated scoring system. Utilizing variant allele frequency, disease prevalence and penetrance estimates, and inheritance mode, an automated score was calculated to assess if this variant is too frequent to cause the disease. Based on the score and internal cut-off values, a variant classified as benign is not then subjected to further curation. The score for this variant resulted in a classification of benign for this disease.

Breakthrough Genomics
Classification: Benign. Review status: criteria provided, single submitter. Criteria: ACMG Guidelines, 2015. Collection method: not provided. Allele origin: germline. Inheritance: Autosomal recessive inheritance. Affected: yes.